The following is an entry in ClinVar:

NM_001243279.3(ACSF3):c.56G>A (p.Cys19Tyr)

Gene: ACSF3 (acyl-CoA synthetase family member 3; plus strand). Cytogenetic location: 16q24.3.
Variant type: single nucleotide variant.
Coding change: c.56G>A on transcript NM_001243279.3 (MANE Select); coding-DNA position 56, G replaced by A.
Protein change: p.Cys19Tyr; replaces cysteine 19 with tyrosine.
Molecular consequence: missense variant. On other transcripts: non-coding transcript variant (3), intron variant (1).
Genome position (GRCh38, 1-based): chr16:89,100,737, G>A. VCF-style: chr16-89100737-G-A. GRCh37 (hg19) VCF-style: chr16-89167145-G-A.
Other names: c.56G>A, p.Cys19Tyr (NM_001127214.4, NM_174917.5); c.-129-1867G>A (NM_001284316.2); short protein forms C19Y.
Identifiers: ClinVar variation 3907046 (VCV003907046.1).
Genomic context (GRCh38, chr16:89,100,737, plus strand): 5'-GTGCAATGCTGCCCCATGTGGTGCTCACCTTCCGGCGCCTGGGCTGCGCCTTGGCGTCCT[G>A]CCGGCTGGCGCCTGCGAGACACAGAGGAAGTGGTCTTCTGCACACAGCCCCAGTGGCCCG-3'
Protein context (NP_001230208.1, residues 9-29): FRRLGCALAS[Cys19Tyr]RLAPARHRGS

ClinVar aggregate classification (germline): Uncertain significance (1 of 4 stars; one submission).

gnomAD v4.1: 15 of 1,605,142 alleles (0.00093%); highest among the groups gnomAD compares: African/African-American, 0.019%; no homozygotes.

Submission:

Women's Health and Genetics/Laboratory Corporation of America, LabCorp
Classification: Uncertain significance. Last evaluated: 2025-06-17. Review status: criteria provided, single submitter. Criteria: LabCorp Variant Classification Summary - May 2015. Collection method: clinical testing. Allele origin: germline.
Comment: Variant summary: ACSF3 c.56G>A (p.Cys19Tyr) results in a non-conservative amino acid change in the encoded protein sequence. Algorithms developed to predict the effect of missense changes on protein structure and function are either unavailable or do not agree on the potential impact of this missense change. The variant allele was found at a frequency of 8.4e-06 in 238294 control chromosomes. The available data on variant occurrences in the general population are insufficient to allow any conclusion about variant significance. To our knowledge, no occurrence of c.56G>A in individuals affected with Combined Malonic And Methylmalonic Aciduria and no experimental evidence demonstrating its impact on protein function have been reported. No submitters have cited clinical-significance assessments for this variant to ClinVar. Based on the evidence outlined above, the variant was classified as uncertain significance.